The following is an entry in ClinVar:

NM_017635.5(KMT5B):c.1243A>T (p.Met415Leu)

Gene: KMT5B (lysine methyltransferase 5B; minus strand). Cytogenetic location: 11q13.2.
Variant type: single nucleotide variant.
Coding change: c.1243A>T on transcript NM_017635.5 (MANE Select); coding-DNA position 1243, A replaced by T.
Protein change: p.Met415Leu; replaces methionine 415 with leucine.
Molecular consequence: missense variant.
Genome position (GRCh38, 1-based): chr11:68,159,103, T>A on the plus strand (A>T on the coding strand, the complement: KMT5B is on the minus strand). VCF-style: chr11-68159103-T-A. GRCh37 (hg19) VCF-style: chr11-67926570-T-A.
Other names: c.727A>T, p.Met243Leu (NM_001300907.1, NM_001369428.1, NM_001369429.1 and 4 more transcripts); c.523A>T, p.Met175Leu (NM_001300908.2); c.1243A>T, p.Met415Leu (NM_001369426.1); short protein forms M175L, M243L, M415L.
Identifiers: ClinVar variation 2572194 (VCV002572194.1), dbSNP rs761877510, ClinGen allele CA381595249.

ClinVar aggregate classification (germline): Uncertain significance (1 of 4 stars; one submission).

Allele frequency attached by ClinVar (database versions not stated): TOPMed below 0.00001.

Submission:

Greenwood Genetic Center Diagnostic Laboratories, Greenwood Genetic Center
Classification: Uncertain significance. Last evaluated: 2023-05-08. Review status: criteria provided, single submitter. Criteria: ACMG Guidelines, 2015. Collection method: clinical testing. Allele origin: germline. Affected: yes.
Comment: PM2, BP4